The following is an entry in ClinVar:

NM_002617.4(PEX10):c.610C>T (p.Arg204Cys)

Gene: PEX10 (peroxisomal biogenesis factor 10; minus strand). Cytogenetic location: 1p36.32.
Variant type: single nucleotide variant.
Coding change: c.610C>T on transcript NM_002617.4 (MANE Select); coding-DNA position 610, C replaced by T.
Protein change: p.Arg204Cys; replaces arginine 204 with cysteine.
Molecular consequence: missense variant. On other transcripts: non-coding transcript variant (1).
Genome position (GRCh38, 1-based): chr1:2,406,886, G>A on the plus strand (C>T on the coding strand, the complement: PEX10 is on the minus strand). VCF-style: chr1-2406886-G-A. GRCh37 (hg19) VCF-style: chr1-2338325-G-A.
Other names: c.667C>T, p.Arg223Cys (NM_001374425.1); c.235C>T, p.Arg79Cys (NM_001374426.1); c.178C>T, p.Arg60Cys (NM_001374427.1); c.670C>T, p.Arg224Cys (NM_153818.2); short protein forms R204C, R223C, R224C, R60C, R79C.
Identifiers: ClinVar variation 1971870 (VCV001971870.2), dbSNP rs1426232829, ClinGen allele CA337985750.

ClinVar aggregate classification (germline): Uncertain significance (1 of 4 stars; one submission).

Conditions:
Peroxisome biogenesis disorder, complementation group 7 (CG7). Also called: Peroxisome biogenesis disorder, complementation group B. Identifiers: MedGen C1864399.

Allele frequency attached by ClinVar (database versions not stated): gnomAD exomes 0.00001.

Submission:

Labcorp Genetics (formerly Invitae), Labcorp
Classification: Uncertain significance for Peroxisome biogenesis disorder, complementation group 7. Last evaluated: 2022-05-07. Review status: criteria provided, single submitter. Criteria: Invitae Variant Classification Sherloc (09022015). Collection method: clinical testing. Allele origin: germline.
Comment: This sequence change replaces arginine, which is basic and polar, with cysteine, which is neutral and slightly polar, at codon 224 of the PEX10 protein (p.Arg224Cys). The frequency data for this variant in the population databases is considered unreliable, as metrics indicate poor data quality at this position in the gnomAD database. This variant has not been reported in the literature in individuals affected with PEX10-related conditions. Algorithms developed to predict the effect of missense changes on protein structure and function are either unavailable or do not agree on the potential impact of this missense change (SIFT: "Deleterious"; PolyPhen-2: "Benign"; Align-GVGD: "Class C15"). In summary, the available evidence is currently insufficient to determine the role of this variant in disease. Therefore, it has been classified as a Variant of Uncertain Significance.